The following is an entry in ClinVar:

ClinVar aggregate classification (germline): Pathogenic (1 of 4 stars; one submission).

Conditions:
Telangiectasia, hereditary hemorrhagic, type 2 (HHT2). Also called: ACVRL1-Related Hereditary Hemorrhagic Telangiectasia; Telangiectasia, hereditary hemorrhagic, type II. Identifiers: Orphanet 774, MedGen C1838163, MONDO:0010880, OMIM 600376. Disease mechanism: loss of function.

Submission:

Labcorp Genetics (formerly Invitae), Labcorp
Classification: Pathogenic for Telangiectasia, hereditary hemorrhagic, type 2. Last evaluated: 2025-09-03. Review status: criteria provided, single submitter. Criteria: Invitae Variant Classification Sherloc (09022015). Collection method: clinical testing. Allele origin: germline.
Comment: This sequence change creates a premature translational stop signal (p.Gln64Argfs*58) in the ACVRL1 gene. It is expected to result in an absent or disrupted protein product. Loss-of-function variants in ACVRL1 are known to be pathogenic (PMID: 15879500). This variant is not present in population databases (gnomAD no frequency). This premature translational stop signal has been observed in individual(s) with hereditary hemorrhagic telangiectasia (PMID: 15517393, 15880681). ClinVar contains an entry for this variant (Variation ID: 411306). For these reasons, this variant has been classified as Pathogenic.

Literature cited by the submitters: PubMed 15879500; PubMed 15517393; PubMed 15880681.

NM_000020.3(ACVRL1):c.190del (p.Gln64fs)

Gene: ACVRL1 (activin A receptor like type 1; plus strand). Cytogenetic location: 12q13.13.
Variant type: Deletion.
Coding change: c.190del on transcript NM_000020.3 (MANE Select); coding-DNA position 190, one base deleted (C; older notation c.190delC).
Protein change: p.Gln64fs; shifts the reading frame from glutamine 64.
Molecular consequence: frameshift variant.
Genome position (GRCh38, 1-based): chr12:51,913,227, C deleted; the last of 5 consecutive C bases (chr12:51,913,223-51,913,227); deleting any one gives the same sequence. VCF-style (leftmost placement, unchanged base first): chr12-51913222-AC-A. GRCh37 (hg19) VCF-style: chr12-52307006-AC-A.
Other names: c.190delC (NM_000020.2); c.190del, p.Gln64fs (NM_001077401.2); short protein forms Q64fs.
Identifiers: ClinVar variation 411306 (VCV000411306.3), dbSNP rs1060503241, ClinGen allele CA16614036.